The following is an entry in ClinVar:

NM_000059.4(BRCA2):c.73G>T (p.Gly25Ter)

Gene: BRCA2 (BRCA2 DNA repair associated; plus strand). Cytogenetic location: 13q13.1.
Variant type: single nucleotide variant.
Coding change: c.73G>T on transcript NM_000059.4 (MANE Select); coding-DNA position 73, G replaced by T.
Protein change: p.Gly25Ter; replaces glycine 25 with a stop codon.
Molecular consequence: nonsense.
Genome position (GRCh38, 1-based): chr13:32,319,082, G>T. VCF-style: chr13-32319082-G-T. GRCh37 (hg19) VCF-style: chr13-32893219-G-T.
Other names: 301G>T; short protein forms G25*.
Identifiers: ClinVar variation 267008 (VCV000267008.5), dbSNP rs80358961, ClinGen allele CA10589005.

ClinVar aggregate classification (germline): Pathogenic. Review status: reviewed by expert panel (3 of 4 stars). 2 submissions from 2 submitters: Pathogenic (1). 1 of the submissions does not count toward it. Last evaluated 2016-10-18.

Conditions:
Breast-ovarian cancer, familial, susceptibility to, 2 (BROVCA2). Also called: BRCA2 Hereditary Breast and Ovarian Cancer. Identifiers: Orphanet 145, MedGen C2675520, MONDO:0012933, OMIM 612555. Disease mechanism: loss of function.

Submissions (2):

Evidence-based Network for the Interpretation of Germline Mutant Alleles (ENIGMA)
Classification: Pathogenic for Breast-ovarian cancer, familial, susceptibility to, 2. Last evaluated: 2016-10-18. Review status: reviewed by expert panel. Criteria: ENIGMA BRCA1/2 Classification Criteria (2015). Collection method: curation. Allele origin: germline.
Comment: Variant allele predicted to encode a truncated non-functional protein.

Consortium of Investigators of Modifiers of BRCA1/2 (CIMBA), c/o University of Cambridge
Classification: Pathogenic for Breast-ovarian cancer, familial, susceptibility to, 2. Last evaluated: 2015-10-02. Review status: criteria provided, single submitter. Criteria: CIMBA Mutation Classification guidelines May 2016. Collection method: clinical testing. Allele origin: germline. Not counted in ClinVar's aggregate classification.